The following is an entry in ClinVar:

NM_000218.3(KCNQ1):c.1393+33623A>G

Genes: KCNQ1 (potassium voltage-gated channel subfamily Q member 1; plus strand), KCNQ1OT1 (KCNQ1 opposite strand/antisense transcript 1; minus strand). Cytogenetic location: 11p15.5.
Variant type: single nucleotide variant.
Coding change: c.1393+33623A>G on transcript NM_000218.3 (MANE Select); 33623 bases into the intron after coding-DNA position 1393, A replaced by G.
Molecular consequence: intron variant.
Genome position (GRCh38, 1-based): chr11:2,622,477, A>G. VCF-style: chr11-2622477-A-G. GRCh37 (hg19) VCF-style: chr11-2643707-A-G.
Other names: c.1123+33623A>G (NM_001406837.1); c.1297+33623A>G (NM_001406836.1); c.853+33623A>G (NM_001406838.1); c.1012+33623A>G (NM_181798.2).
Identifiers: ClinVar variation 1879171 (VCV001879171.29), dbSNP rs151229755, ClinGen allele CA216363143.

ClinVar aggregate classification (germline): Benign (1 of 4 stars; one submission).

Allele frequency attached by ClinVar (database versions not stated): gnomAD exomes 0.00020; gnomAD 0.00024; TOPMed 0.00034; 1000 Genomes Project 0.00080; 1000 Genomes Project 30x 0.00094.
gnomAD v4.1: 104 of 398,368 alleles (0.026%); highest among the groups gnomAD compares: Middle Eastern, 0.13%; no homozygotes.

Submission:

CeGaT Center for Human Genetics Tuebingen
Classification: Benign. Last evaluated: 2024-09-01. Review status: criteria provided, single submitter. Criteria: CeGaT Center For Human Genetics Tuebingen Variant Classification Criteria Version 2. Collection method: clinical testing. Allele origin: germline. Affected: yes. Observed: 6 variant alleles.
Comment: KCNQ1OT1: BS1, BS2